The following is an entry in ClinVar:

ClinVar aggregate classification (germline): Uncertain significance. Review status: criteria provided, multiple submitters, no conflicts (2 of 4 stars). 2 submissions from 2 submitters: Uncertain significance (2). Last evaluated 2025-06-09.

gnomAD v4.1: 63 of 1,613,360 alleles (0.0039%); highest among the groups gnomAD compares: Middle Eastern, 0.016%; no homozygotes.

Submissions (2):

Dasa
Classification: Uncertain significance. Last evaluated: 2025-06-09. Review status: criteria provided, single submitter. Criteria: DASA Assertion Criteria. Collection method: clinical testing. Allele origin: germline.
Comment: NM_000123.4(ERCC5):c.3487G>A (p.Val1163Met) is a missense variant that results in the substitution of valine with methionine. This variant is rare in population databases. Computational prediction algorithms are consistent with a benign effect. The currently available literature and clinical evidence are not sufficient to establish a definitive association between this variant and the reported condition. Therefore, this variant is classified as a variant of uncertain significance.

GeneDx
Classification: Uncertain significance. Last evaluated: 2023-07-11. Review status: criteria provided, single submitter. Criteria: GeneDx Variant Classification Process June 2021. Collection method: clinical testing. Allele origin: germline. Affected: yes.
Comment: Not observed at significant frequency in large population cohorts (gnomAD); In silico analysis supports that this missense variant does not alter protein structure/function; Has not been previously published as pathogenic or benign to our knowledge

NM_000123.4(ERCC5):c.3487G>A (p.Val1163Met)

Genes: BIVM-ERCC5 (BIVM-ERCC5 readthrough; plus strand), ERCC5 (ERCC excision repair 5, endonuclease; plus strand). Cytogenetic location: 13q33.1.
Variant type: single nucleotide variant.
Coding change: c.3487G>A on transcript NM_000123.4 (MANE Select); coding-DNA position 3487, G replaced by A.
Protein change: p.Val1163Met; replaces valine 1163 with methionine.
Molecular consequence: missense variant.
Genome position (GRCh38, 1-based): chr13:102,875,829, G>A. VCF-style: chr13-102875829-G-A. GRCh37 (hg19) VCF-style: chr13-103528179-G-A.
Other names: c.4849G>A, p.Val1617Met (NM_001204425.2); short protein forms V1163M, V1617M.
Identifiers: ClinVar variation 3360984 (VCV003360984.3).